The following is an entry in ClinVar:

NM_004984.4(KIF5A):c.*326G>T

Gene: KIF5A (kinesin family member 5A; plus strand). Cytogenetic location: 12q13.3.
Variant type: single nucleotide variant.
Coding change: c.*326G>T on transcript NM_004984.4 (MANE Select); 326 bases downstream of the stop codon, G replaced by T.
Molecular consequence: 3 prime UTR variant.
Genome position (GRCh38, 1-based): chr12:57,584,507, G>T. VCF-style: chr12-57584507-G-T. GRCh37 (hg19) VCF-style: chr12-57978290-G-T.
Other names: c.*326G>T (NM_001354705.2).
Identifiers: ClinVar variation 309958 (VCV000309958.30), dbSNP rs150199729, ClinGen allele CA10642979.
Genomic context (GRCh38, chr12:57,584,507, plus strand): 5'-TACCTTCCTTATTTGGGGCAATAGGGAGGAGGGTGAATGTTTCTTCTTTCTCATCTACTC[G>T]TCTCACACTGAGTGGTGTTAGTCACTGAGTAGAGGTCACAGAGATGACAAAAGGAAAAAT-3'

ClinVar aggregate classification (germline): Conflicting classifications of pathogenicity. Review status: criteria provided, conflicting classifications (1 of 4 stars). 3 submissions from 3 submitters: Uncertain significance (2); Likely benign (1). Last evaluated 2023-01-01.

Conditions:
Hereditary spastic paraplegia 10 (SPG10). Also called: SPASTIC PARAPLEGIA 10, AUTOSOMAL DOMINANT; SPASTIC PARAPLEGIA 10 WITH OR WITHOUT PERIPHERAL NEUROPATHY; SPASTIC PARAPLEGIA 10 WITH PERIPHERAL NEUROPATHY. Identifiers: Orphanet 100991, MedGen C1858712, MONDO:0011408, OMIM 604187.

Allele frequency attached by ClinVar (database versions not stated): TOPMed 0.00022; 1000 Genomes Project 30x 0.00031; 1000 Genomes Project 0.00040.

Submissions (3):

CeGaT Center for Human Genetics Tuebingen
Classification: Likely benign. Last evaluated: 2023-01-01. Review status: criteria provided, single submitter. Criteria: CeGaT Center For Human Genetics Tuebingen Variant Classification Criteria Version 2. Collection method: clinical testing. Allele origin: germline. Affected: yes. Observed: 1 variant allele.
Comment: KIF5A: BS1

Illumina Laboratory Services, Illumina
Classification: Uncertain significance for Hereditary spastic paraplegia 10. Last evaluated: 2018-01-13. Review status: criteria provided, single submitter. Criteria: ICSL Variant Classification Criteria 13 December 2019. Collection method: clinical testing. Allele origin: germline.

Breakthrough Genomics
Classification: Uncertain significance. Review status: criteria provided, single submitter. Criteria: ACMG Guidelines, 2015. Collection method: not provided. Allele origin: germline. Inheritance: Autosomal dominant inheritance. Affected: yes.